The following is an entry in ClinVar:

NM_144997.7(FLCN):c.927A>C (p.Lys309Asn)

Gene: FLCN (folliculin; minus strand). Cytogenetic location: 17p11.2.
Variant type: single nucleotide variant.
Coding change: c.927A>C on transcript NM_144997.7 (MANE Select); coding-DNA position 927, A replaced by C.
Protein change: p.Lys309Asn; replaces lysine 309 with asparagine.
Molecular consequence: missense variant.
Genome position (GRCh38, 1-based): chr17:17,219,154, T>G on the plus strand (A>C on the coding strand, the complement: FLCN is on the minus strand). VCF-style: chr17-17219154-T-G. GRCh37 (hg19) VCF-style: chr17-17122468-T-G.
Other names: c.981A>C, p.Lys327Asn (NM_001353229.2); c.927A>C, p.Lys309Asn (NM_001353230.2, NM_001353231.2); short protein forms K309N, K327N.
Identifiers: ClinVar variation 1766403 (VCV001766403.3), dbSNP rs2544196382, ClinGen allele CA398532983.
Genomic context (GRCh38, chr17:17,219,154, plus strand): 5'-GGACTCTGCCGGGCCCTGGGTCAGCTCCCGCCCTTCTGTACTCTCTGGCAACACAGGGGC[T>G]TTCTCCTCCTCTTCAGCCTCAGAGTTGTCCCAGCTTTCTGATTCCTCTTCTAAATCTGCA-3'
Protein context (NP_659434.2, residues 299-319): WDNSEAEEEE[Lys309Asn]APVLPESTEG

ClinVar aggregate classification (germline): Uncertain significance. Review status: criteria provided, multiple submitters, no conflicts (2 of 4 stars). 2 submissions from 2 submitters: Uncertain significance (2). Last evaluated 2025-11-05.

Conditions:
Hereditary cancer-predisposing syndrome. Also called: Neoplastic Syndromes, Hereditary; Tumor predisposition; Hereditary neoplastic syndrome; Hereditary Cancer Syndrome. Identifiers: Orphanet 140162, MedGen C0027672, MeSH D009386, MONDO:0015356.
Birt-Hogg-Dube syndrome. Also called: Birt Hogg Dubé syndrome. Identifiers: Orphanet 122, MedGen C0346010, MONDO:0800444.

Submissions (2):

Labcorp Genetics (formerly Invitae), Labcorp
Classification: Uncertain significance for Birt-Hogg-Dube syndrome. Last evaluated: 2025-11-05. Review status: criteria provided, single submitter. Criteria: Invitae Variant Classification Sherloc (09022015). Collection method: clinical testing. Allele origin: germline.
Comment: This sequence change replaces lysine, which is basic and polar, with asparagine, which is neutral and polar, at codon 309 of the FLCN protein (p.Lys309Asn). This variant is not present in population databases (gnomAD no frequency). This variant has not been reported in the literature in individuals affected with FLCN-related conditions. ClinVar contains an entry for this variant (Variation ID: 1766403). Invitae Evidence Modeling of protein sequence and biophysical properties (such as structural, functional, and spatial information, amino acid conservation, physicochemical variation, residue mobility, and thermodynamic stability) indicates that this missense variant is not expected to disrupt FLCN protein function with a negative predictive value of 80%. In summary, the available evidence is currently insufficient to determine the role of this variant in disease. Therefore, it has been classified as a Variant of Uncertain Significance.

Ambry Genetics
Classification: Uncertain significance for Hereditary cancer-predisposing syndrome. Last evaluated: 2022-08-24. Review status: criteria provided, single submitter. Criteria: Ambry Variant Classification Scheme 2023. Collection method: clinical testing. Allele origin: germline.
Comment: The p.K309N variant (also known as c.927A>C), located in coding exon 6 of the FLCN gene, results from an A to C substitution at nucleotide position 927. The lysine at codon 309 is replaced by asparagine, an amino acid with similar properties. This amino acid position is conserved. In addition, this alteration is predicted to be tolerated by in silico analysis. Since supporting evidence is limited at this time, the clinical significance of this alteration remains unclear.